The following is an entry in ClinVar:

NM_024675.4(PALB2):c.1886C>A (p.Ser629Tyr)

Gene: PALB2 (partner and localizer of BRCA2; minus strand). Cytogenetic location: 16p12.2.
Variant type: single nucleotide variant.
Coding change: c.1886C>A on transcript NM_024675.4 (MANE Select); coding-DNA position 1886, C replaced by A.
Protein change: p.Ser629Tyr; replaces serine 629 with tyrosine.
Molecular consequence: missense variant.
Genome position (GRCh38, 1-based): chr16:23,630,268, G>T on the plus strand (C>A on the coding strand, the complement: PALB2 is on the minus strand). VCF-style: chr16-23630268-G-T. GRCh37 (hg19) VCF-style: chr16-23641589-G-T.
Other names: short protein forms S629Y.
Identifiers: ClinVar variation 1056308 (VCV001056308.12), dbSNP rs1169756751, ClinGen allele CA395127631.

ClinVar aggregate classification (germline): Uncertain significance. Review status: criteria provided, multiple submitters, no conflicts (2 of 4 stars). 3 submissions from 3 submitters: Uncertain significance (3). Last evaluated 2025-08-31.

Conditions:
Hereditary cancer-predisposing syndrome. Also called: Hereditary Cancer Syndrome; Tumor predisposition; Hereditary neoplastic syndrome; Neoplastic Syndromes, Hereditary. Identifiers: Orphanet 140162, MedGen C0027672, MeSH D009386, MONDO:0015356.
Familial cancer of breast. Also called: BREAST CANCER, FAMILIAL; Hereditary breast cancer; hereditary breast carcinoma. Identifiers: Orphanet 227535, MedGen C0346153, MONDO:0016419, OMIM 114480. Disease mechanism: loss of function.

Submissions (3):

Labcorp Genetics (formerly Invitae), Labcorp
Classification: Uncertain significance for Familial cancer of breast. Last evaluated: 2025-08-31. Review status: criteria provided, single submitter. Criteria: Invitae Variant Classification Sherloc (09022015). Collection method: clinical testing. Allele origin: germline.
Comment: This sequence change replaces serine, which is neutral and polar, with tyrosine, which is neutral and polar, at codon 629 of the PALB2 protein (p.Ser629Tyr). This variant is not present in population databases (gnomAD no frequency). This variant has not been reported in the literature in individuals affected with PALB2-related conditions. ClinVar contains an entry for this variant (Variation ID: 1056308). Invitae Evidence Modeling of protein sequence and biophysical properties (such as structural, functional, and spatial information, amino acid conservation, physicochemical variation, residue mobility, and thermodynamic stability) indicates that this missense variant is expected to disrupt PALB2 protein function with a positive predictive value of 80%. In summary, the available evidence is currently insufficient to determine the role of this variant in disease. Therefore, it has been classified as a Variant of Uncertain Significance.

GeneDx
Classification: Uncertain significance. Last evaluated: 2025-08-06. Review status: criteria provided, single submitter. Criteria: GeneDx Variant Classification Process June 2021. Collection method: clinical testing. Allele origin: germline. Affected: yes.
Comment: Not observed at significant frequency in large population cohorts (gnomAD); In silico analysis supports that this missense variant has a deleterious effect on protein structure/function; Has not been previously published as pathogenic or benign to our knowledge; This variant is associated with the following publications: (PMID: 22941656)

Ambry Genetics
Classification: Uncertain significance for Hereditary cancer-predisposing syndrome. Last evaluated: 2020-10-27. Review status: criteria provided, single submitter. Criteria: Ambry Variant Classification Scheme 2023. Collection method: clinical testing. Allele origin: germline.
Comment: The p.S629Y variant (also known as c.1886C>A), located in coding exon 5 of the PALB2 gene, results from a C to A substitution at nucleotide position 1886. The serine at codon 629 is replaced by tyrosine, an amino acid with dissimilar properties. This amino acid position is not well conserved in available vertebrate species. In addition, this alteration is predicted to be tolerated by in silico analysis. Since supporting evidence is limited at this time, the clinical significance of this alteration remains unclear.